The following is an entry in ClinVar:

ClinVar aggregate classification (germline): Pathogenic (1 of 4 stars; one submission).

Submission:

Labcorp Genetics (formerly Invitae), Labcorp
Classification: Pathogenic. Last evaluated: 2024-05-22. Review status: criteria provided, single submitter. Criteria: Invitae Variant Classification Sherloc (09022015). Collection method: clinical testing. Allele origin: germline.
Comment: This sequence change creates a premature translational stop signal (p.Val617Alafs*6) in the CDH3 gene. It is expected to result in an absent or disrupted protein product. Loss-of-function variants in CDH3 are known to be pathogenic (PMID: 15805154, 27386845, 29620724). This variant is not present in population databases (gnomAD no frequency). This variant has not been reported in the literature in individuals affected with CDH3-related conditions. ClinVar contains an entry for this variant (Variation ID: 1457861). For these reasons, this variant has been classified as Pathogenic.

Literature cited by the submitters: PubMed 15805154; PubMed 27386845; PubMed 29620724.

NM_001793.6(CDH3):c.1850_1851del (p.Val617fs)

Gene: CDH3 (cadherin 3; plus strand). Cytogenetic location: 16q22.1.
Variant type: Deletion.
Coding change: c.1850_1851del on transcript NM_001793.6 (MANE Select); coding-DNA positions 1850 to 1851, 2 bases deleted (TG; older notation c.1850_1851delTG).
Protein change: p.Val617fs; shifts the reading frame from valine 617.
Molecular consequence: frameshift variant.
Genome position (GRCh38, 1-based): chr16:68,691,774-68,691,775, TG deleted; deleting any 2 consecutive bases within chr16:68,691,773-68,691,775 gives the same sequence; the c. name uses the placement nearest the transcript's 3' end. VCF-style (leftmost placement, unchanged base first): chr16-68691772-CGT-C. GRCh37 (hg19) VCF-style: chr16-68725675-CGT-C.
Other names: c.1850_1851del, p.Val617fs (NM_001317195.3); c.1685_1686del, p.Val562fs (NM_001317196.2); short protein forms V562fs, V617fs.
Identifiers: ClinVar variation 1457861 (VCV001457861.6), dbSNP rs2152105512, ClinGen allele CA2573152512.